The following is an entry in ClinVar:

ClinVar aggregate classification (germline): Uncertain significance. Review status: criteria provided, multiple submitters, no conflicts (2 of 4 stars). 2 submissions from 2 submitters: Uncertain significance (2). Last evaluated 2023-02-24.

Conditions:
Spermatogenic failure 18. Identifiers: MedGen C4539783, MONDO:0054615, OMIM 617576.
Ciliary dyskinesia, primary, 37 (CILD37). Also called: CILIARY DYSKINESIA, PRIMARY, 37, WITH OR WITHOUT SITUS INVERSUS. Identifiers: MedGen C4539798, MONDO:0033204, OMIM 617577.

Allele frequency attached by ClinVar (database versions not stated): gnomAD exomes 0.00021; ExAC 0.00034; TOPMed 0.00038; gnomAD 0.00039 and 0.00041; ESP Exome Variant Server 0.00056; 1000 Genomes Project 0.00120; 1000 Genomes Project 30x 0.00125.
gnomAD v4.1: 316 of 1,610,528 alleles (0.02%); highest among the groups gnomAD compares: African/African-American, 0.08%; no homozygotes.

Submissions (2):

Blueprint Genetics
Classification: Uncertain significance. Last evaluated: 2023-02-24. Review status: criteria provided, single submitter. Criteria: ACMG Guidelines, 2015. Collection method: clinical testing. Allele origin: germline.

Labcorp Genetics (formerly Invitae), Labcorp
Classification: Uncertain significance for Ciliary dyskinesia, primary, 37; Spermatogenic failure 18. Last evaluated: 2022-03-21. Review status: criteria provided, single submitter. Criteria: Invitae Variant Classification Sherloc (09022015). Collection method: clinical testing. Allele origin: germline.
Comment: This sequence change replaces arginine, which is basic and polar, with cysteine, which is neutral and slightly polar, at codon 848 of the DNAH1 protein (p.Arg848Cys). This variant is present in population databases (rs138422594, gnomAD 0.1%). This variant has not been reported in the literature in individuals affected with DNAH1-related conditions. ClinVar contains an entry for this variant (Variation ID: 853737). Algorithms developed to predict the effect of missense changes on protein structure and function are either unavailable or do not agree on the potential impact of this missense change (SIFT: "Deleterious"; PolyPhen-2: "Benign"; Align-GVGD: "Class C55"). In summary, the available evidence is currently insufficient to determine the role of this variant in disease. Therefore, it has been classified as a Variant of Uncertain Significance.

NM_015512.5(DNAH1):c.2542C>T (p.Arg848Cys)

Gene: DNAH1 (dynein axonemal heavy chain 1; plus strand). Cytogenetic location: 3p21.1.
Variant type: single nucleotide variant.
Coding change: c.2542C>T on transcript NM_015512.5 (MANE Select); coding-DNA position 2542, C replaced by T.
Protein change: p.Arg848Cys; replaces arginine 848 with cysteine.
Molecular consequence: missense variant.
Genome position (GRCh38, 1-based): chr3:52,350,004, C>T. VCF-style: chr3-52350004-C-T. GRCh37 (hg19) VCF-style: chr3-52384020-C-T.
Other names: short protein forms R848C.
Identifiers: ClinVar variation 853737 (VCV000853737.5), dbSNP rs138422594, ClinGen allele CA2433296.